The following is an entry in ClinVar:

NM_000143.4(FH):c.191A>G (p.Asn64Ser)

Gene: FH (fumarate hydratase; minus strand). Cytogenetic location: 1q43.
Variant type: single nucleotide variant.
Coding change: c.191A>G on transcript NM_000143.4 (MANE Select); coding-DNA position 191, A replaced by G.
Protein change: p.Asn64Ser; replaces asparagine 64 with serine.
Molecular consequence: missense variant.
Genome position (GRCh38, 1-based): chr1:241,517,258, T>C on the plus strand (A>G on the coding strand, the complement: FH is on the minus strand). VCF-style: chr1-241517258-T-C. GRCh37 (hg19) VCF-style: chr1-241680558-T-C.
Other names: short protein forms N64S.
Identifiers: ClinVar variation 3278741 (VCV003278741.1).

ClinVar aggregate classification (germline): Uncertain significance (1 of 4 stars; one submission).

Conditions:
Hereditary cancer-predisposing syndrome. Also called: Tumor predisposition; Hereditary Cancer Syndrome; Hereditary neoplastic syndrome; Neoplastic Syndromes, Hereditary. Identifiers: Orphanet 140162, MedGen C0027672, MeSH D009386, MONDO:0015356.

Submission:

Ambry Genetics
Classification: Uncertain significance for Hereditary cancer-predisposing syndrome. Last evaluated: 2024-04-29. Review status: criteria provided, single submitter. Criteria: Ambry Variant Classification Scheme 2023. Collection method: clinical testing. Allele origin: germline.
Comment: The p.N64S variant (also known as c.191A>G), located in coding exon 2 of the FH gene, results from an A to G substitution at nucleotide position 191. The asparagine at codon 64 is replaced by serine, an amino acid with highly similar properties. This amino acid position is conserved. In addition, this alteration is predicted to be tolerated by in silico analysis. Based on the available evidence, the clinical significance of this variant remains unclear.